The following is an entry in ClinVar:

ClinVar aggregate classification (germline): Uncertain significance (1 of 4 stars; one submission).

Conditions:
Perlman syndrome (PRLMNS). Identifiers: Orphanet 2849, MedGen C0796113, MONDO:0009965, OMIM 267000.

gnomAD v4.1: 5 of 1,613,982 alleles (0.00031%); highest among the groups gnomAD compares: Non-Finnish European, 0.00042%; no homozygotes.

Submission:

Labcorp Genetics (formerly Invitae), Labcorp
Classification: Uncertain significance for Perlman syndrome. Last evaluated: 2022-05-13. Review status: criteria provided, single submitter. Criteria: Invitae Variant Classification Sherloc (09022015). Collection method: clinical testing. Allele origin: germline.
Comment: In summary, the available evidence is currently insufficient to determine the role of this variant in disease. Therefore, it has been classified as a Variant of Uncertain Significance. Algorithms developed to predict the effect of missense changes on protein structure and function are either unavailable or do not agree on the potential impact of this missense change (SIFT: "Deleterious"; PolyPhen-2: "Probably Damaging"; Align-GVGD: "Class C0"). ClinVar contains an entry for this variant (Variation ID: 653161). This variant has not been reported in the literature in individuals affected with DIS3L2-related conditions. This variant is not present in population databases (gnomAD no frequency). This sequence change replaces methionine, which is neutral and non-polar, with isoleucine, which is neutral and non-polar, at codon 443 of the DIS3L2 protein (p.Met443Ile).

NM_152383.5(DIS3L2):c.1329G>C (p.Met443Ile)

Gene: DIS3L2 (DIS3 like 3'-5' exoribonuclease 2; plus strand). Cytogenetic location: 2q37.1.
Variant type: single nucleotide variant.
Coding change: c.1329G>C on transcript NM_152383.5 (MANE Select); coding-DNA position 1329, G replaced by C.
Protein change: p.Met443Ile; replaces methionine 443 with isoleucine.
Molecular consequence: missense variant. On other transcripts: non-coding transcript variant (2).
Genome position (GRCh38, 1-based): chr2:232,249,250, G>C. VCF-style: chr2-232249250-G-C. GRCh37 (hg19) VCF-style: chr2-233113960-G-C.
Other names: c.1329G>C, p.Met443Ile (NM_001257281.2); short protein forms M443I.
Identifiers: ClinVar variation 653161 (VCV000653161.8), dbSNP rs1466322904, ClinGen allele CA351155375.
Genomic context (GRCh38, chr2:232,249,250, plus strand): 5'-CCTAAGCGGGTTGGAGAAAGGTGCTCATGGGCCTGTGCTCTATTTACAGGTGGTCCCCAT[G>C]CTTCCCAGGCTGCTGTGTGAGGAGCTGTGCAGCCTCAACCCCATGTCCGACAAGCTGACC-3'
Protein context (NP_689596.4, residues 433-453): SVYLVQKVVP[Met443Ile]LPRLLCEELC